The following is an entry in ClinVar:

NM_000038.6(APC):c.2600C>A (p.Thr867Lys)

Gene: APC (APC regulator of Wnt signaling pathway; plus strand). Cytogenetic location: 5q22.2.
Variant type: single nucleotide variant.
Coding change: c.2600C>A on transcript NM_000038.6 (MANE Select); coding-DNA position 2600, C replaced by A.
Protein change: p.Thr867Lys; replaces threonine 867 with lysine.
Molecular consequence: missense variant.
Genome position (GRCh38, 1-based): chr5:112,838,194, C>A. VCF-style: chr5-112838194-C-A. GRCh37 (hg19) VCF-style: chr5-112173891-C-A.
Other names: c.2600C>A, p.Thr867Lys (NM_001127510.3, NM_001354895.2); c.2546C>A, p.Thr849Lys (NM_001127511.3); c.2654C>A, p.Thr885Lys (NM_001354896.2); c.2630C>A, p.Thr877Lys (NM_001354897.2); c.2297C>A, p.Thr766Lys (NM_001354903.2); c.2222C>A, p.Thr741Lys (NM_001354904.2); c.2120C>A, p.Thr707Lys (NM_001354905.2); c.1751C>A, p.Thr584Lys (NM_001354906.2); and 5 more; short protein forms T776K, T842K, T826K, T867K, T877K, T885K, T707K, T766K.
Identifiers: ClinVar variation 647646 (VCV000647646.12), dbSNP rs374813438, ClinGen allele CA032739.
Genomic context (GRCh38, chr5:112,838,194, plus strand): 5'-AAAAAGATAGAAGTTTGGAGAGAGAACGCGGAATTGGTCTAGGCAACTACCATCCAGCAA[C>A]AGAAAATCCAGGAACTTCTTCAAAGCGAGGTTTGCAGATCTCCACCACTGCAGCCCAGAT-3'
Protein context (NP_000029.2, residues 857-877): GIGLGNYHPA[Thr867Lys]ENPGTSSKRG

ClinVar aggregate classification (germline): Uncertain significance. Review status: criteria provided, multiple submitters, no conflicts (2 of 4 stars). 3 submissions from 3 submitters: Uncertain significance (3). Last evaluated 2023-12-13.

Conditions:
Classic or attenuated familial adenomatous polyposis. Identifiers: MedGen CN372698, MONDO:0021057.
Hereditary cancer-predisposing syndrome. Also called: Hereditary Cancer Syndrome; Tumor predisposition; Hereditary neoplastic syndrome; Neoplastic Syndromes, Hereditary. Identifiers: Orphanet 140162, MedGen C0027672, MeSH D009386, MONDO:0015356.
Familial adenomatous polyposis 1 (FAP1). Also called: FAMILIAL ADENOMATOUS POLYPOSIS 1, ATTENUATED; POLYPOSIS, ADENOMATOUS INTESTINAL. Identifiers: MedGen C2713442, MONDO:0021056, OMIM 175100. Disease mechanism: loss of function.

Allele frequency attached by ClinVar (database versions not stated): ESP Exome Variant Server 0.00008.
gnomAD v4.1: 1 of 1,614,158 alleles (0.000062%); highest among the groups gnomAD compares: African/African-American, 0.0013%; no homozygotes.

Submissions (3):

All of Us Research Program, National Institutes of Health
Classification: Uncertain significance for Classic or attenuated familial adenomatous polyposis. Last evaluated: 2023-12-13. Review status: criteria provided, single submitter. Criteria: ACMG Guidelines, 2015. Collection method: clinical testing. Allele origin: germline. Inheritance: Autosomal dominant inheritance. Observed: 1 variant allele, 1 heterozygote.
Comment: This missense variant replaces threonine with lysine at codon 867 of the APC protein. Computational prediction suggests that this variant may not impact protein structure and function (internally defined REVEL score threshold <= 0.5, PMID: 27666373). To our knowledge, functional studies have not been reported for this variant. This variant has not been reported in individuals affected with APC-related disorders in the literature. This variant has been identified in 1/251008 chromosomes in the general population by the Genome Aggregation Database (gnomAD). The available evidence is insufficient to determine the role of this variant in disease conclusively. Therefore, this variant is classified as a Variant of Uncertain Significance.

This study involves interpretation of variants in research participants for the purpose of population health screening. Participant phenotype was not available at the time of variant classification. Additional details can be found in publication PMID: 35346344, PMCID: PMC8962531

Labcorp Genetics (formerly Invitae), Labcorp
Classification: Uncertain significance for Familial adenomatous polyposis 1. Last evaluated: 2022-04-28. Review status: criteria provided, single submitter. Criteria: Invitae Variant Classification Sherloc (09022015). Collection method: clinical testing. Allele origin: germline.
Comment: In summary, the available evidence is currently insufficient to determine the role of this variant in disease. Therefore, it has been classified as a Variant of Uncertain Significance. Algorithms developed to predict the effect of missense changes on protein structure and function are either unavailable or do not agree on the potential impact of this missense change (SIFT: "Deleterious"; PolyPhen-2: "Benign"; Align-GVGD: "Class C0"). ClinVar contains an entry for this variant (Variation ID: 647646). This variant has not been reported in the literature in individuals affected with APC-related conditions. This variant is not present in population databases (gnomAD no frequency). This sequence change replaces threonine, which is neutral and polar, with lysine, which is basic and polar, at codon 867 of the APC protein (p.Thr867Lys).

Ambry Genetics
Classification: Uncertain significance for Hereditary cancer-predisposing syndrome. Last evaluated: 2021-01-07. Review status: criteria provided, single submitter. Criteria: Ambry Variant Classification Scheme 2023. Collection method: clinical testing. Allele origin: germline.
Comment: The p.T867K variant (also known as c.2600C>A), located in coding exon 15 of the APC gene, results from a C to A substitution at nucleotide position 2600. The threonine at codon 867 is replaced by lysine, an amino acid with similar properties. This amino acid position is not well conserved in available vertebrate species. In addition, in silico predictors for this gene do not accurately predict pathogenicity. Since supporting evidence is limited at this time, the clinical significance of this alteration remains unclear.